The following is an entry in ClinVar:

ClinVar aggregate classification (germline): Uncertain significance (1 of 4 stars; one submission).

Allele frequency attached by ClinVar (database versions not stated): gnomAD 0.00001; gnomAD exomes 0.00001 and 0.00002; TOPMed 0.00001; ExAC 0.00002.
gnomAD v4.1: 10 of 1,613,116 alleles (0.00062%); highest among the groups gnomAD compares: Admixed American, 0.0084%; no homozygotes.

Submission:

Labcorp Genetics (formerly Invitae), Labcorp
Classification: Uncertain significance. Last evaluated: 2024-10-16. Review status: criteria provided, single submitter. Criteria: Invitae Variant Classification Sherloc (09022015). Collection method: clinical testing. Allele origin: germline.
Comment: This sequence change replaces serine, which is neutral and polar, with proline, which is neutral and non-polar, at codon 1255 of the PCLO protein (p.Ser1255Pro). This variant is present in population databases (rs764843170, gnomAD 0.006%). This variant has not been reported in the literature in individuals affected with PCLO-related conditions. ClinVar contains an entry for this variant (Variation ID: 1383978). An algorithm developed to predict the effect of missense changes on protein structure and function outputs the following: PolyPhen-2: "Not Available". The proline amino acid residue is found in multiple mammalian species, which suggests that this missense change does not adversely affect protein function. In summary, the available evidence is currently insufficient to determine the role of this variant in disease. Therefore, it has been classified as a Variant of Uncertain Significance.

NM_033026.6(PCLO):c.3763T>C (p.Ser1255Pro)

Gene: PCLO (piccolo presynaptic cytomatrix protein; minus strand). Cytogenetic location: 7q21.11.
Variant type: single nucleotide variant.
Coding change: c.3763T>C on transcript NM_033026.6 (MANE Select); coding-DNA position 3763, T replaced by C.
Protein change: p.Ser1255Pro; replaces serine 1255 with proline.
Molecular consequence: missense variant.
Genome position (GRCh38, 1-based): chr7:82,966,025, A>G on the plus strand (T>C on the coding strand, the complement: PCLO is on the minus strand). VCF-style: chr7-82966025-A-G. GRCh37 (hg19) VCF-style: chr7-82595341-A-G.
Other names: c.3763T>C, p.Ser1255Pro (NM_014510.3); short protein forms S1255P.
Identifiers: ClinVar variation 1383978 (VCV001383978.8), dbSNP rs764843170, ClinGen allele CA4320963.